The following is an entry in ClinVar:

NM_001128918.3(MARK3):c.1314C>A (p.Thr438=)

Gene: MARK3 (microtubule affinity regulating kinase 3; plus strand). Cytogenetic location: 14q32.32.
Variant type: single nucleotide variant.
Coding change: c.1314C>A on transcript NM_001128918.3 (MANE Select); coding-DNA position 1314, C replaced by A.
Protein change: p.Thr438=; no amino-acid change (threonine 438 retained).
Molecular consequence: synonymous variant.
Genome position (GRCh38, 1-based): chr14:103,475,042, C>A. VCF-style: chr14-103475042-C-A. GRCh37 (hg19) VCF-style: chr14-103941379-C-A.
Other names: c.1314C>A, p.Thr438= (NM_001128919.3, NM_002376.7); c.1266C>A, p.Thr422= (NM_001128920.3); c.1077C>A, p.Thr359= (NM_001128921.3); c.1260C>A, p.Thr420= (NM_001411055.1); c.1122C>A, p.Thr374= (NM_001411056.1).
Identifiers: ClinVar variation 3055758 (VCV003055758.2), dbSNP rs56134485, ClinGen allele CA7364097.

ClinVar aggregate classification (germline): Benign (0 of 4 stars; one submission).

Conditions:
MARK3-related disorder. Also called: MARK3-related condition.

Allele frequency attached by ClinVar (database versions not stated): gnomAD exomes 0.00404; ExAC 0.01323; gnomAD 0.04427; ESP Exome Variant Server 0.04685; 1000 Genomes Project 0.04832; TOPMed 0.04939; 1000 Genomes Project 30x 0.05106.
gnomAD v4.1: 12,885 of 1,614,042 alleles (0.8%); highest among the groups gnomAD compares: African/African-American, 15%; 949 homozygotes.

Submission:

PreventionGenetics, part of Exact Sciences
Classification: Benign for MARK3-related condition. Last evaluated: 2019-09-30. Review status: no assertion criteria provided. Collection method: clinical testing. Allele origin: germline.
Comment: This variant is classified as benign based on ACMG/AMP sequence variant interpretation guidelines (Richards et al. 2015 PMID: 25741868, with internal and published modifications).